The following is an entry in ClinVar:

ClinVar aggregate classification (germline): Uncertain significance (1 of 4 stars; one submission).

Allele frequency attached by ClinVar (database versions not stated): gnomAD 0.00001; TOPMed 0.00001.

Submission:

Women's Health and Genetics/Laboratory Corporation of America, LabCorp
Classification: Uncertain significance. Last evaluated: 2023-11-14. Review status: criteria provided, single submitter. Criteria: LabCorp Variant Classification Summary - May 2015. Collection method: clinical testing. Allele origin: germline.
Comment: Variant summary: HPS6 c.938G>T (p.Gly313Val) results in a non-conservative amino acid change located in the BLOC-2 complex member HPS6, N-terminal domain (IPR046823) of the encoded protein sequence. Three of four in-silico tools predict a benign effect of the variant on protein function. The variant was absent in 251154 control chromosomes. The available data on variant occurrences in the general population are insufficient to allow any conclusion about variant significance. To our knowledge, no occurrence of c.938G>T in individuals affected with Hermansky-Pudlak Syndrome and no experimental evidence demonstrating its impact on protein function have been reported. No submitters have cited clinical-significance assessments for this variant to ClinVar after 2014. Based on the evidence outlined above, the variant was classified as uncertain significance.

NM_024747.6(HPS6):c.938G>T (p.Gly313Val)

Gene: HPS6 (HPS6 biogenesis of lysosomal organelles complex 2 subunit 3; plus strand). Cytogenetic location: 10q24.32.
Variant type: single nucleotide variant.
Coding change: c.938G>T on transcript NM_024747.6 (MANE Select); coding-DNA position 938, G replaced by T.
Protein change: p.Gly313Val; replaces glycine 313 with valine.
Molecular consequence: missense variant.
Genome position (GRCh38, 1-based): chr10:102,066,412, G>T. VCF-style: chr10-102066412-G-T. GRCh37 (hg19) VCF-style: chr10-103826169-G-T.
Other names: short protein forms G313V.
Identifiers: ClinVar variation 2682519 (VCV002682519.1), dbSNP rs1467022474, ClinGen allele CA377860408.